The following is an entry in ClinVar:

ClinVar aggregate classification (germline): Uncertain significance (1 of 4 stars; one submission).

Allele frequency attached by ClinVar (database versions not stated): gnomAD 0.00001; TOPMed 0.00001; ExAC 0.00005.
gnomAD v4.1: 30 of 1,612,624 alleles (0.0019%); highest among the groups gnomAD compares: South Asian, 0.03%; no homozygotes.

Submission:

Labcorp Genetics (formerly Invitae), Labcorp
Classification: Uncertain significance. Last evaluated: 2022-10-15. Review status: criteria provided, single submitter. Criteria: Invitae Variant Classification Sherloc (09022015). Collection method: clinical testing. Allele origin: germline.
Comment: This sequence change replaces tyrosine, which is neutral and polar, with histidine, which is basic and polar, at codon 3426 of the HMCN1 protein (p.Tyr3426His). Algorithms developed to predict the effect of sequence changes on RNA splicing suggest that this variant may create or strengthen a splice site. Algorithms developed to predict the effect of missense changes on protein structure and function (SIFT, PolyPhen-2, Align-GVGD) all suggest that this variant is likely to be disruptive. In summary, the available evidence is currently insufficient to determine the role of this variant in disease. Therefore, it has been classified as a Variant of Uncertain Significance. This variant is present in population databases (rs770462901, gnomAD 0.04%). This variant has not been reported in the literature in individuals affected with HMCN1-related conditions.

NM_031935.3(HMCN1):c.10276T>C (p.Tyr3426His)

Gene: HMCN1 (hemicentin 1; plus strand). Cytogenetic location: 1q31.1.
Variant type: single nucleotide variant.
Coding change: c.10276T>C on transcript NM_031935.3 (MANE Select); coding-DNA position 10276, T replaced by C.
Protein change: p.Tyr3426His; replaces tyrosine 3426 with histidine.
Molecular consequence: missense variant.
Genome position (GRCh38, 1-based): chr1:186,094,355, T>C. VCF-style: chr1-186094355-T-C. GRCh37 (hg19) VCF-style: chr1-186063487-T-C.
Other names: short protein forms Y3426H.
Identifiers: ClinVar variation 1721667 (VCV001721667.5), dbSNP rs770462901, ClinGen allele CA1293677.